The following is an entry in ClinVar:

ClinVar aggregate classification (germline): Uncertain significance. Review status: criteria provided, multiple submitters, no conflicts (2 of 4 stars). 3 submissions from 3 submitters: Uncertain significance (3). Last evaluated 2025-12-24.

Conditions:
Inborn genetic diseases. Identifiers: MedGen C0950123, MeSH D030342.

Allele frequency attached by ClinVar (database versions not stated): TOPMed 0.00002; gnomAD exomes 0.00001; gnomAD 0.00001; ExAC 0.00002.
gnomAD v4.1: 8 of 1,613,644 alleles (0.0005%); highest among the groups gnomAD compares: Non-Finnish European, 0.00068%; no homozygotes.

Submissions (3):

Labcorp Genetics (formerly Invitae), Labcorp
Classification: Uncertain significance. Last evaluated: 2025-12-24. Review status: criteria provided, single submitter. Criteria: Invitae Variant Classification Sherloc (09022015). Collection method: clinical testing. Allele origin: germline.
Comment: This sequence change replaces asparagine, which is neutral and polar, with threonine, which is neutral and polar, at codon 336 of the SAMD9L protein (p.Asn336Thr). This variant is present in population databases (rs756958110, gnomAD 0.004%). This variant has not been reported in the literature in individuals affected with SAMD9L-related conditions. ClinVar contains an entry for this variant (Variation ID: 2913830). An algorithm developed to predict the effect of missense changes on protein structure and function (PolyPhen-2) suggests that this variant is likely to be tolerated. In summary, the available evidence is currently insufficient to determine the role of this variant in disease. Therefore, it has been classified as a Variant of Uncertain Significance.

GeneDx
Classification: Uncertain significance. Last evaluated: 2025-04-21. Review status: criteria provided, single submitter. Criteria: GeneDx Variant Classification Process June 2021. Collection method: clinical testing. Allele origin: germline. Affected: yes.
Comment: Not observed at significant frequency in large population cohorts (gnomAD); In silico analysis indicates that this missense variant does not alter protein structure/function; Has not been previously published as pathogenic or benign to our knowledge; This variant is associated with the following publications: (PMID: 28545555)

Ambry Genetics
Classification: Uncertain significance for Inborn genetic diseases. Last evaluated: 2024-11-20. Review status: criteria provided, single submitter. Criteria: Ambry Variant Classification Scheme 2023. Collection method: clinical testing. Allele origin: germline.
Comment: The p.N336T variant (also known as c.1007A>C), located in coding exon 1 of the SAMD9L gene, results from an A to C substitution at nucleotide position 1007. The asparagine at codon 336 is replaced by threonine, an amino acid with similar properties. This amino acid position is conserved. In addition, this alteration is predicted to be tolerated by in silico analysis. Based on the available evidence, the clinical significance of this variant remains unclear.

NM_152703.5(SAMD9L):c.1007A>C (p.Asn336Thr)

Gene: SAMD9L (sterile alpha motif domain containing 9 like; minus strand). Cytogenetic location: 7q21.2.
Variant type: single nucleotide variant.
Coding change: c.1007A>C on transcript NM_152703.5 (MANE Select); coding-DNA position 1007, A replaced by C.
Protein change: p.Asn336Thr; replaces asparagine 336 with threonine.
Molecular consequence: missense variant.
Genome position (GRCh38, 1-based): chr7:93,134,965, T>G on the plus strand (A>C on the coding strand, the complement: SAMD9L is on the minus strand). VCF-style: chr7-93134965-T-G. GRCh37 (hg19) VCF-style: chr7-92764278-T-G.
Other names: c.1007A>C (NM_152703.2, NM_152703.3); c.1007A>C, p.Asn336Thr (NM_001303496.3, NM_001303497.3, NM_001303498.3 and 5 more transcripts); short protein forms N336T.
Identifiers: ClinVar variation 2913830 (VCV002913830.5), dbSNP rs756958110, ClinGen allele CA4343780.